The following is an entry in ClinVar:

NM_000310.4(PPT1):c.2T>C (p.Met1Thr)

Gene: PPT1 (palmitoyl-protein thioesterase 1; minus strand). Cytogenetic location: 1p34.2.
Variant type: single nucleotide variant.
Coding change: c.2T>C on transcript NM_000310.4 (MANE Select); coding-DNA position 2, T replaced by C.
Protein change: p.Met1Thr; changes the start codon (methionine 1).
Molecular consequence: missense variant, initiator codon variant.
Genome position (GRCh38, 1-based): chr1:40,097,237, A>G on the plus strand (T>C on the coding strand, the complement: PPT1 is on the minus strand). VCF-style: chr1-40097237-A-G. GRCh37 (hg19) VCF-style: chr1-40562909-A-G.
Other names: p.M1T:ATG>ACG; c.2T>C, p.Met1Thr (NM_001142604.2, NM_001363695.2); short protein forms M1T.
Identifiers: ClinVar variation 206651 (VCV000206651.13), dbSNP rs796052927, ClinGen allele CA316954.

ClinVar aggregate classification (germline): Pathogenic/Likely pathogenic. Review status: criteria provided, multiple submitters, no conflicts (2 of 4 stars). 3 submissions from 3 submitters: Pathogenic (1); Likely pathogenic (1). 1 of the submissions does not count toward it. Last evaluated 2019-07-23.

Conditions:
Neuronal ceroid lipofuscinosis 1 (CLN1). Also called: CEROID LIPOFUSCINOSIS, NEURONAL, 1, VARIABLE AGE AT ONSET; PPT1-Related Neuronal Ceroid-Lipofuscinosis. Identifiers: Orphanet 228329, MedGen C1850451, MONDO:0009744, OMIM 256730.

Allele frequency attached by ClinVar (database versions not stated): gnomAD exomes below 0.00001; gnomAD 0.00003.

Submissions (3):

Labcorp Genetics (formerly Invitae), Labcorp
Classification: Likely pathogenic for Neuronal ceroid lipofuscinosis 1. Last evaluated: 2019-07-23. Review status: criteria provided, single submitter. Criteria: Invitae Variant Classification Sherloc (09022015). Collection method: clinical testing. Allele origin: germline.
Comment: In summary, the currently available evidence indicates that the variant is pathogenic, but additional data are needed to prove that conclusively. Therefore, this variant has been classified as Likely Pathogenic. Disruption of this initiator methionine has been observed in combination with another PPT1 variant in several individuals affected with neuronal ceroid lipofuscinosis (PMID: 9664077, 11073228, 11440996). ClinVar contains an entry for this variant (Variation ID: 206651). This variant is not present in population databases (ExAC no frequency). This sequence change affects the initiator methionine of the PPT1 mRNA. The next in-frame methionine is located at codon 41.

GeneDx
Classification: Pathogenic. Last evaluated: 2013-04-25. Review status: criteria provided, single submitter. Criteria: GeneDx Variant Classification (06012015). Collection method: clinical testing. Allele origin: germline. Affected: yes.
Comment: p.Met1Thr (ATG>ACG): c.2 T>C in exon 1 of the PPT1 gene (NM_000310.3). The c.2 T>C mutation alters the initiator Methionine codon, and the resultant protein would be best described as ?p.Met1?? to signify that it is not known if the loss of Met1 means that all protein translation is completely prevented or if an abnormal protein is produced using an alternate Methionine initiator codon. Although the c.2 T>C mutation in the PPT1 gene has not been previously published as a mutation to our knowledge, it is predicted to alter the normal protein and is therefore considered a disease-causing mutation. Moreover, another mutation that also affects the Methionine initiator codon, c.3 G>A, has been published in association with neuronal ceroid lipofuscinosis (Das et al., 1998). The variant is found in EPILEPSY panel(s).

Counsyl
Classification: Likely pathogenic for Neuronal ceroid lipofuscinosis 1. Last evaluated: 2016-06-29. Review status: no assertion criteria provided. Collection method: clinical testing. Allele origin: unknown. Not counted in ClinVar's aggregate classification.

Literature cited by the submitters: PubMed 9664077 (cited by Labcorp Genetics (formerly Invitae), Labcorp); PubMed 11073228 (cited by Labcorp Genetics (formerly Invitae), Labcorp); PubMed 11440996 (cited by Labcorp Genetics (formerly Invitae), Labcorp).